The following is an entry in ClinVar:

GRCh38/hg38 10q26.12-26.3(chr10:120454430-133620674)x1

Genes: FUOM (fucose mutarotase; minus strand), GLRX3 (glutaredoxin 3; plus strand), GPR26 (G protein-coupled receptor 26; plus strand), HMX2 (H6 family homeobox 2; plus strand), HMX3 (H6 family homeobox 3; plus strand) and 421 more. Cytogenetic location: 10q26.12-26.3.
Variant type: copy number loss.
Change: copy number 1 (one copy instead of two) of chr10:120,454,430-133,620,674 (13.17 Mb, GRCh38 coordinates, 1-based), cytogenetic band 10q26.12-26.3.
Identifiers: ClinVar variation 57403 (VCV000057403.1).

ClinVar aggregate classification (germline): Pathogenic (1 of 4 stars; one submission).

Submission:

ISCA site 4
Classification: Pathogenic. Last evaluated: 2011-08-12. Review status: criteria provided, single submitter. Criteria: Kaminsky et al. (Genet Med. 2011). Collection method: clinical testing. Allele origin: de novo. Affected: yes. Observed: 1 variant allele.
Comment: Copy number variation identified through the course of routine clinical cytogenomic testing in postnatal populations. Clinical assertions have been curated as described in Kaminsky et al. 2011.